The following is an entry in ClinVar:

ClinVar aggregate classification (germline): Uncertain significance (1 of 4 stars; one submission).

Conditions:
DNMT3A-related disorder. Also called: DNMT3A-related disorders; DNMT3A-related condition.

gnomAD v4.1: 1 of 1,598,106 alleles (0.000063%); highest among the groups gnomAD compares: Middle Eastern, 0.018%; no homozygotes.

Submission:

PreventionGenetics, part of Exact Sciences
Classification: Uncertain significance for DNMT3A-related condition. Last evaluated: 2025-07-01. Review status: criteria provided, single submitter. Criteria: ACMG Guidelines, 2015. Collection method: clinical testing. Allele origin: germline.
Comment: The DNMT3A c.488C>T variant is predicted to result in the amino acid substitution p.Thr163Ile. To our knowledge, this variant has not been reported in the literature or in a large population database (gnomAD), indicating this variant is rare. At this time, the clinical significance of this variant is uncertain due to the absence of conclusive functional and genetic evidence.

NM_022552.5(DNMT3A):c.448+40C>T

Gene: DNMT3A (DNA methyltransferase 3 alpha; minus strand). Cytogenetic location: 2p23.3.
Variant type: single nucleotide variant.
Coding change: c.448+40C>T on transcript NM_022552.5 (MANE Select); 40 bases into the intron after coding-DNA position 448, C replaced by T.
Molecular consequence: intron variant. On other transcripts: missense variant (2).
Genome position (GRCh38, 1-based): chr2:25,282,401, G>A on the plus strand (C>T on the coding strand, the complement: DNMT3A is on the minus strand). VCF-style: chr2-25282401-G-A. GRCh37 (hg19) VCF-style: chr2-25505270-G-A.
Other names: c.488C>T, p.Thr163Ile (NM_001320892.2, NM_175630.1); c.448+40C>T (NM_175629.2); short protein forms T163I.
Identifiers: ClinVar variation 5001143 (VCV005001143.1).